The following is an entry in ClinVar:

ClinVar aggregate classification (germline): Uncertain significance (1 of 4 stars; one submission).

Conditions:
Spongy degeneration of central nervous system. Also called: ACY2 DEFICIENCY; AMINOACYLASE 2 DEFICIENCY; ASP DEFICIENCY; ASPA DEFICIENCY; ASPARTOACYLASE DEFICIENCY; CANAVAN-VAN BOGAERT-BERTRAND DISEASE. Identifiers: Orphanet 141, MedGen C0206307, MONDO:0010079, OMIM 271900.

Allele frequency attached by ClinVar (database versions not stated): gnomAD 0.00001; ExAC 0.00005; ESP Exome Variant Server 0.00008; 1000 Genomes Project 30x 0.00016; gnomAD exomes 0.00001; TOPMed 0.00003; 1000 Genomes Project 0.00020.
gnomAD v4.1: 28 of 1,614,044 alleles (0.0017%); highest among the groups gnomAD compares: Middle Eastern, 0.033%; no homozygotes.

Submission:

Labcorp Genetics (formerly Invitae), Labcorp
Classification: Uncertain significance for Spongy degeneration of central nervous system. Last evaluated: 2025-03-31. Review status: criteria provided, single submitter. Criteria: Invitae Variant Classification Sherloc (09022015). Collection method: clinical testing. Allele origin: germline.
Comment: This sequence change replaces cysteine, which is neutral and slightly polar, with glycine, which is neutral and non-polar, at codon 310 of the ASPA protein (p.Cys310Gly). This variant is present in population databases (rs376854191, gnomAD 0.007%). This variant has not been reported in the literature in individuals affected with ASPA-related conditions. ClinVar contains an entry for this variant (Variation ID: 2048326). Invitae Evidence Modeling of protein sequence and biophysical properties (such as structural, functional, and spatial information, amino acid conservation, physicochemical variation, residue mobility, and thermodynamic stability) indicates that this missense variant is not expected to disrupt ASPA protein function with a negative predictive value of 95%. In summary, the available evidence is currently insufficient to determine the role of this variant in disease. Therefore, it has been classified as a Variant of Uncertain Significance.

NM_000049.4(ASPA):c.928T>G (p.Cys310Gly)

Genes: ASPA (aspartoacylase; plus strand), SPATA22 (spermatogenesis associated 22; minus strand). Cytogenetic location: 17p13.2.
Variant type: single nucleotide variant.
Coding change: c.928T>G on transcript NM_000049.4 (MANE Select); coding-DNA position 928, T replaced by G.
Protein change: p.Cys310Gly; replaces cysteine 310 with glycine.
Molecular consequence: missense variant. On other transcripts: intron variant (2).
Genome position (GRCh38, 1-based): chr17:3,499,074, T>G. VCF-style: chr17-3499074-T-G. GRCh37 (hg19) VCF-style: chr17-3402368-T-G.
Other names: c.928T>G, p.Cys310Gly (NM_001128085.1); c.-74+14338A>C (NM_001321336.2, NM_001321337.2); short protein forms C310G.
Identifiers: ClinVar variation 2048326 (VCV002048326.1), dbSNP rs376854191, ClinGen allele CA8289070.
Genomic context (GRCh38, chr17:3,499,074, plus strand): 5'-GAAAAGAAAGAAGCTTTTGCAAAGACAACTAAACTAACGCTCAATGCAAAAAGTATTCGC[T>G]GCTGTTTACATTAGAAATCACTTCCAGCTTACATCTTACACGGTGTCTTACAAATTCTGC-3'
Protein context (NP_000040.1, residues 300-313): KLTLNAKSIR[Cys310Gly]CLH